The following is an entry in ClinVar:

NM_002207.3(ITGA9):c.1674T>C (p.Tyr558=)

Gene: ITGA9 (integrin subunit alpha 9; plus strand). Cytogenetic location: 3p22.2.
Variant type: single nucleotide variant.
Coding change: c.1674T>C on transcript NM_002207.3 (MANE Select); coding-DNA position 1674, T replaced by C.
Protein change: p.Tyr558=; no amino-acid change (tyrosine 558 retained).
Molecular consequence: synonymous variant.
Genome position (GRCh38, 1-based): chr3:37,542,570, T>C. VCF-style: chr3-37542570-T-C. GRCh37 (hg19) VCF-style: chr3-37584061-T-C.
Identifiers: ClinVar variation 3056335 (VCV003056335.2), dbSNP rs9850581, ClinGen allele CA2310861.

ClinVar aggregate classification (germline): Benign (0 of 4 stars; one submission).

Conditions:
ITGA9-related disorder. Also called: ITGA9-related condition.

Allele frequency attached by ClinVar (database versions not stated): ExAC 0.01337; gnomAD 0.04075; ESP Exome Variant Server 0.04575; TOPMed 0.04670; 1000 Genomes Project 0.04712; 1000 Genomes Project 30x 0.05169.
gnomAD v4.1: 12,622 of 1,614,142 alleles (0.78%); highest among the groups gnomAD compares: African/African-American, 14%; 820 homozygotes.

Submission:

PreventionGenetics, part of Exact Sciences
Classification: Benign for ITGA9-related condition. Last evaluated: 2019-09-25. Review status: no assertion criteria provided. Collection method: clinical testing. Allele origin: germline.
Comment: This variant is classified as benign based on ACMG/AMP sequence variant interpretation guidelines (Richards et al. 2015 PMID: 25741868, with internal and published modifications).